The following is an entry in ClinVar:

ClinVar aggregate classification (germline): Conflicting classifications of pathogenicity. Review status: criteria provided, conflicting classifications (1 of 4 stars). 3 submissions from 3 submitters: Uncertain significance (2); Benign (1). Last evaluated 2024-05-04.

Conditions:
Intellectual disability, X-linked, with or without seizures, ARX-related. Also called: MENTAL RETARDATION, X-LINKED 29; MENTAL RETARDATION, X-LINKED 32; MENTAL RETARDATION, X-LINKED 33; MENTAL RETARDATION, X-LINKED 38; MENTAL RETARDATION, X-LINKED 43; MENTAL RETARDATION, X-LINKED 76. Identifiers: Orphanet 777, MedGen C0796244, MONDO:0010317, OMIM 300419.
Developmental and epileptic encephalopathy, 1 (DEE1). Also called: INFANTILE SPASM SYNDROME, X-LINKED 1; X-linked infantile spasms; West's syndrome; Tonic spasms with clustering, arrest of psychomotor development and hypsarrhythmia on EEG; X-Linked Infantile Spasm Syndrome; Epileptic encephalopathy, early infantile, 1. Identifiers: MedGen C3463992, MONDO:0010632, OMIM 308350. Disease mechanism: loss of function.

Allele frequency attached by ClinVar (database versions not stated): TOPMed 0.00005; 1000 Genomes Project 30x 0.00021.

Submissions (3):

Labcorp Genetics (formerly Invitae), Labcorp
Classification: Benign for Developmental and epileptic encephalopathy, 1; Intellectual disability, X-linked, with or without seizures, ARX-related. Last evaluated: 2024-05-04. Review status: criteria provided, single submitter. Criteria: Invitae Variant Classification Sherloc (09022015). Collection method: clinical testing. Allele origin: germline.

Mayo Clinic Laboratories, Mayo Clinic
Classification: Uncertain significance. Last evaluated: 2023-04-17. Review status: criteria provided, single submitter. Criteria: ACMG Guidelines, 2015. Collection method: clinical testing. Allele origin: germline. Observed: 1 variant allele.
Comment: BP5, PM2

Blueprint Genetics
Classification: Uncertain significance. Last evaluated: 2017-12-29. Review status: criteria provided, single submitter. Criteria: ACMG Guidelines, 2015. Collection method: clinical testing. Allele origin: germline.

NM_139058.3(ARX):c.1186C>A (p.Pro396Thr)

Gene: ARX (aristaless related homeobox; minus strand). Cytogenetic location: Xp21.3.
Variant type: single nucleotide variant.
Coding change: c.1186C>A on transcript NM_139058.3 (MANE Select); coding-DNA position 1186, C replaced by A.
Protein change: p.Pro396Thr; replaces proline 396 with threonine.
Molecular consequence: missense variant.
Genome position (GRCh38, 1-based): chrX:25,007,373, G>T on the plus strand (C>A on the coding strand, the complement: ARX is on the minus strand). VCF-style: chrX-25007373-G-T. GRCh37 (hg19) VCF-style: chrX-25025490-G-T.
Other names: p.Pro396Thr; short protein forms P396T.
Identifiers: ClinVar variation 1006158 (VCV001006158.9), dbSNP rs776523818, ClinGen allele CA327732621.
Genomic context (GRCh38, chrX:25,007,373, plus strand): 5'-CGTCCAGGTAGGGGCTGAGCGGGTGGGTGGCGGAGAGCGGCCCCGGGAAGGGCAGCCCAG[G>T]GGGGTGGGTCTGCGCGCCTGCCTTCTCCCGCTTGCGCCACTTGGCCCGACGGTTCTGGAA-3'
Protein context (NP_620689.1, residues 386-406): REKAGAQTHP[Pro396Thr]GLPFPGPLSA